The following is an entry in ClinVar:

NM_003200.5(TCF3):c.759_760del (p.Ser253fs)

Gene: TCF3 (transcription factor 3; minus strand). Cytogenetic location: 19p13.3.
Variant type: Deletion.
Coding change: c.759_760del on transcript NM_003200.5 (MANE Select); coding-DNA positions 759 to 760, 2 bases deleted (CG; older notation c.759_760delCG).
Protein change: p.Ser253fs; shifts the reading frame from serine 253.
Molecular consequence: frameshift variant.
Genome position (GRCh38, 1-based): chr19:1,622,116-1,622,117, CG deleted on the plus strand (CG on the coding strand, the reverse complement: TCF3 is on the minus strand); deleting any 2 consecutive bases within chr19:1,622,116-1,622,118 gives the same sequence; the c. name uses the placement nearest the transcript's 3' end. VCF-style (leftmost placement, unchanged base first): chr19-1622115-CCG-C. GRCh37 (hg19) VCF-style: chr19-1622114-CCG-C.
Other names: c.759_760del, p.Ser253fs (NM_001136139.4, NM_001351778.2, NM_001351779.2); short protein forms S253fs.
Identifiers: ClinVar variation 2715547 (VCV002715547.3), dbSNP rs2513659434, ClinGen allele CA2697555621.

ClinVar aggregate classification (germline): Pathogenic (1 of 4 stars; one submission).

Submission:

Labcorp Genetics (formerly Invitae), Labcorp
Classification: Pathogenic. Last evaluated: 2024-08-14. Review status: criteria provided, single submitter. Criteria: Invitae Variant Classification Sherloc (09022015). Collection method: clinical testing. Allele origin: germline.
Comment: This sequence change creates a premature translational stop signal (p.Ser253Argfs*95) in the TCF3 gene. It is expected to result in an absent or disrupted protein product. Loss-of-function variants in TCF3 are known to be pathogenic (PMID: 24216514, 30063982, 37277074). This variant is not present in population databases (gnomAD no frequency). This variant has not been reported in the literature in individuals affected with TCF3-related conditions. Algorithms developed to predict the effect of sequence changes on RNA splicing suggest that this variant may create or strengthen a splice site. For these reasons, this variant has been classified as Pathogenic.

Literature cited by the submitters: PubMed 24216514; PubMed 30063982; PubMed 37277074.